The following is an entry in ClinVar:

ClinVar aggregate classification (germline): Pathogenic (1 of 4 stars; one submission).

Conditions:
Lynch syndrome 5 (LYNCH5). Also called: Colorectal cancer, hereditary nonpolyposis, type 5; Hereditary non-polyposis colorectal cancer, type 5. Identifiers: Orphanet 144, MedGen C1833477, MONDO:0013710, OMIM 614350. Disease mechanism: loss of function.

Submission:

Myriad Genetics, Inc.
Classification: Pathogenic for Lynch syndrome 5. Last evaluated: 2023-08-22. Review status: criteria provided, single submitter. Criteria: Myriad Autosomal Dominant, Autosomal Recessive and X-Linked Classification Criteria (2023). Collection method: clinical testing. Allele origin: unknown.
Comment: This variant is considered pathogenic. This variant creates a frameshift predicted to result in premature protein truncation.

NM_000179.3(MSH6):c.3386del (p.Cys1129fs)

Gene: MSH6 (mutS homolog 6; plus strand). Cytogenetic location: 2p16.3.
Variant type: Deletion.
Coding change: c.3386del on transcript NM_000179.3 (MANE Select); coding-DNA position 3386, one base deleted (G; older notation c.3386delG).
Protein change: p.Cys1129fs; shifts the reading frame from cysteine 1129.
Molecular consequence: frameshift variant. On other transcripts: non-coding transcript variant (5).
Genome position (GRCh38, 1-based): chr2:47,803,633, G deleted. VCF-style (leftmost placement, unchanged base first): chr2-47803632-TG-T. GRCh37 (hg19) VCF-style: chr2-48030771-TG-T.
Other names: c.2996del, p.Cys999fs (NM_001281492.2); c.2480del, p.Cys827fs (NM_001281493.2, NM_001281494.2, NM_001406811.1 and 6 more transcripts); c.3482del, p.Cys1161fs (NM_001406795.1, NM_001406802.1); c.3386del, p.Cys1129fs (NM_001406796.1, NM_001406800.1, NM_001406808.1 and 1 more transcripts); c.3089del, p.Cys1030fs (NM_001406797.1, NM_001406801.1, NM_001406805.1 and 10 more transcripts); c.3212del, p.Cys1071fs (NM_001406798.1); c.2861del, p.Cys954fs (NM_001406799.1, NM_001406806.1, NM_001406807.1); c.2522del, p.Cys841fs (NM_001406803.1); and 7 more; short protein forms C1030fs, C1071fs, C1073fs, C1103fs, C1129fs, C1131fs, C1161fs, C444fs.
Identifiers: ClinVar variation 2673726 (VCV002673726.1), dbSNP rs2530773151, ClinGen allele CA2695200545.